The following is an entry in ClinVar:

ClinVar aggregate classification (germline): Uncertain significance (1 of 4 stars; one submission).

Conditions:
Bethlem myopathy 1A. Also called: MYOPATHY, BENIGN CONGENITAL, WITH CONTRACTURES; Bethlem Muscular Dystrophy; Bethlem myopathy 1. Identifiers: Orphanet 610, MedGen CN029274, MONDO:0024530, OMIM 158810.

Submission:

Labcorp Genetics (formerly Invitae), Labcorp
Classification: Uncertain significance for Bethlem myopathy 1A. Last evaluated: 2020-12-23. Review status: criteria provided, single submitter. Criteria: Invitae Variant Classification Sherloc (09022015). Collection method: clinical testing. Allele origin: germline.
Comment: This sequence change falls in intron 16 of the COL6A2 gene. It does not directly change the encoded amino acid sequence of the COL6A2 protein. It affects a nucleotide within the consensus splice site of the intron. The frequency data for this variant in the population databases is considered unreliable, as metrics indicate insufficient coverage at this position in the ExAC database. This variant has not been reported in the literature in individuals with COL6A2-related conditions. Nucleotide substitutions within the consensus splice site are a relatively common cause of aberrant splicing (PMID: 17576681, 9536098). Algorithms developed to predict the effect of sequence changes on RNA splicing suggest that this variant may disrupt the consensus splice site, but this prediction has not been confirmed by published transcriptional studies. In summary, the available evidence is currently insufficient to determine the role of this variant in disease. Therefore, it has been classified as a Variant of Uncertain Significance.

Literature cited by the submitters: PubMed 17576681; PubMed 9536098.

NM_001849.4(COL6A2):c.1395+5G>C

Gene: COL6A2 (collagen type VI alpha 2 chain; plus strand). Cytogenetic location: 21q22.3.
Variant type: single nucleotide variant.
Coding change: c.1395+5G>C on transcript NM_001849.4 (MANE Select); 5 bases into the intron after coding-DNA position 1395, G replaced by C.
Molecular consequence: intron variant.
Genome position (GRCh38, 1-based): chr21:46,120,582, G>C. VCF-style: chr21-46120582-G-C. GRCh37 (hg19) VCF-style: chr21-47540496-G-C.
Other names: c.1395+5G>C (NM_058175.3, NM_058174.3).
Identifiers: ClinVar variation 1359257 (VCV001359257.1), dbSNP rs1373123496, ClinGen allele CA2573157462.